The following is an entry in ClinVar:

NM_054027.6(ANKH):c.1227C>G (p.Ile409Met)

Genes: OTULIN (OTU deubiquitinase with linear linkage specificity; plus strand), ANKH (ANKH inorganic pyrophosphate transport regulator; minus strand), LOC100130744 (uncharacterized LOC100130744; plus strand). Cytogenetic location: 5p15.2.
Variant type: single nucleotide variant.
Coding change: c.1227C>G on transcript NM_054027.6 (MANE Select); coding-DNA position 1227, C replaced by G.
Protein change: p.Ile409Met; replaces isoleucine 409 with methionine.
Molecular consequence: missense variant. On other transcripts: non-coding transcript variant (1).
Genome position (GRCh38, 1-based): chr5:14,713,582, G>C on the plus strand (C>G on the coding strand, the complement: ANKH is on the minus strand). VCF-style: chr5-14713582-G-C. GRCh37 (hg19) VCF-style: chr5-14713691-G-C.
Other names: short protein forms I409M.
Identifiers: ClinVar variation 2708200 (VCV002708200.3), dbSNP rs145363910, ClinGen allele CA359245037.

ClinVar aggregate classification (germline): Uncertain significance (1 of 4 stars; one submission).

Submission:

Labcorp Genetics (formerly Invitae), Labcorp
Classification: Uncertain significance. Last evaluated: 2024-01-08. Review status: criteria provided, single submitter. Criteria: Invitae Variant Classification Sherloc (09022015). Collection method: clinical testing. Allele origin: germline.
Comment: This sequence change replaces isoleucine, which is neutral and non-polar, with methionine, which is neutral and non-polar, at codon 409 of the ANKH protein (p.Ile409Met). This variant is not present in population databases (gnomAD no frequency). This variant has not been reported in the literature in individuals affected with ANKH-related conditions. Advanced modeling of protein sequence and biophysical properties (such as structural, functional, and spatial information, amino acid conservation, physicochemical variation, residue mobility, and thermodynamic stability) performed at Invitae indicates that this missense variant is not expected to disrupt ANKH protein function with a negative predictive value of 80%. In summary, the available evidence is currently insufficient to determine the role of this variant in disease. Therefore, it has been classified as a Variant of Uncertain Significance.